The following is an entry in ClinVar:

NM_017617.5(NOTCH1):c.2428G>A (p.Val810Ile)

Gene: NOTCH1 (notch receptor 1; minus strand). Cytogenetic location: 9q34.3.
Variant type: single nucleotide variant.
Coding change: c.2428G>A on transcript NM_017617.5 (MANE Select); coding-DNA position 2428, G replaced by A.
Protein change: p.Val810Ile; replaces valine 810 with isoleucine.
Molecular consequence: missense variant.
Genome position (GRCh38, 1-based): chr9:136,513,060, C>T on the plus strand (G>A on the coding strand, the complement: NOTCH1 is on the minus strand). VCF-style: chr9-136513060-C-T. GRCh37 (hg19) VCF-style: chr9-139407512-C-T.
Other names: short protein forms V810I.
Identifiers: ClinVar variation 3880467 (VCV003880467.2).

ClinVar aggregate classification (germline): Conflicting classifications of pathogenicity. Review status: criteria provided, conflicting classifications (1 of 4 stars). 2 submissions from 2 submitters: Uncertain significance (1); Likely benign (1). Last evaluated 2025-12-21.

Conditions:
Familial thoracic aortic aneurysm and aortic dissection (TAAD). Also called: Thoracic aortic aneurysms and dissections. Identifiers: Orphanet 91387, MedGen C4707243, MONDO:0019625.
Adams-Oliver syndrome 5 (AOS5). Identifiers: Orphanet 974, MedGen C4014970, MONDO:0014459, OMIM 616028.

gnomAD v4.1: 13 of 1,600,006 alleles (0.00081%); highest among the groups gnomAD compares: Non-Finnish European, 0.001%; no homozygotes.

Submissions (2):

Labcorp Genetics (formerly Invitae), Labcorp
Classification: Likely benign for Adams-Oliver syndrome 5. Last evaluated: 2025-12-21. Review status: criteria provided, single submitter. Criteria: Invitae Variant Classification Sherloc (09022015). Collection method: clinical testing. Allele origin: germline.

Ambry Genetics
Classification: Uncertain significance for Familial thoracic aortic aneurysm and aortic dissection. Last evaluated: 2025-03-06. Review status: criteria provided, single submitter. Criteria: Ambry Variant Classification Scheme 2023. Collection method: clinical testing. Allele origin: germline.
Comment: The p.V810I variant (also known as c.2428G>A), located in coding exon 15 of the NOTCH1 gene, results from a G to A substitution at nucleotide position 2428. The valine at codon 810 is replaced by isoleucine, an amino acid with highly similar properties. This amino acid position is well conserved in available vertebrate species. In addition, this alteration is predicted to be tolerated by in silico analysis. Based on the available evidence, the clinical significance of this variant remains unclear.